The following is an entry in ClinVar:

NM_001401501.2(MUC16):c.11403G>A (p.Gln3801=)

Gene: MUC16 (mucin 16, cell surface associated; minus strand). Cytogenetic location: 19p13.2.
Variant type: single nucleotide variant.
Coding change: c.11403G>A on transcript NM_001401501.2 (MANE Select); coding-DNA position 11403, G replaced by A.
Protein change: p.Gln3801=; no amino-acid change (glutamine 3801 retained).
Molecular consequence: synonymous variant.
Genome position (GRCh38, 1-based): chr19:8,965,487, C>T on the plus strand (G>A on the coding strand, the complement: MUC16 is on the minus strand). VCF-style: chr19-8965487-C-T. GRCh37 (hg19) VCF-style: chr19-9076163-C-T.
Other names: c.11829G>A, p.Gln3943= (NM_001414686.1); c.11283G>A, p.Gln3761= (NM_001414687.1, NM_024690.2).
Identifiers: ClinVar variation 3059181 (VCV003059181.2), dbSNP rs2547073, ClinGen allele CA9171278.
Genomic context (GRCh38, chr19:8,965,487, plus strand): 5'-CCCTATAGAGAAGGGCAACTGTGAGGTAGCTGGGCTGATCATGGTTTCCAAAGTGAGTTC[C>T]TGGGGAGTTGTGGCCCCCTGAGGAGCTGAGGTAGTGGCTGTGGCTGATGACAGAGATCTC-3'
Protein context (NP_001388430.1, residues 3791-3811): TSAPQGATTP[Gln3801=]ELTLETMISP

ClinVar aggregate classification (germline): Benign (0 of 4 stars; one submission).

Conditions:
MUC16-related disorder. Also called: MUC16-related condition.

Allele frequency attached by ClinVar (database versions not stated): 1000 Genomes Project 0.24820; 1000 Genomes Project 30x 0.24922; gnomAD 0.25955; TOPMed 0.26161; ESP Exome Variant Server 0.26190; ExAC 0.26291; gnomAD exomes 0.29278.

Submission:

PreventionGenetics, part of Exact Sciences
Classification: Benign for MUC16-related condition. Last evaluated: 2019-10-22. Review status: no assertion criteria provided. Collection method: clinical testing. Allele origin: germline.
Comment: This variant is classified as benign based on ACMG/AMP sequence variant interpretation guidelines (Richards et al. 2015 PMID: 25741868, with internal and published modifications).